The following is an entry in ClinVar:

NM_021728.4(OTX2):c.224T>G (p.Met75Arg)

Gene: OTX2 (orthodenticle homeobox 2; minus strand). Cytogenetic location: 14q22.3.
Variant type: single nucleotide variant.
Coding change: c.224T>G on transcript NM_021728.4 (MANE Select); coding-DNA position 224, T replaced by G.
Protein change: p.Met75Arg; replaces methionine 75 with arginine.
Molecular consequence: missense variant.
Genome position (GRCh38, 1-based): chr14:56,804,237, A>C on the plus strand (T>G on the coding strand, the complement: OTX2 is on the minus strand). VCF-style: chr14-56804237-A-C. GRCh37 (hg19) VCF-style: chr14-57270955-A-C.
Other names: c.200T>G, p.Met67Arg (NM_001270523.2, NM_001270524.2, NM_172337.3); c.224T>G, p.Met75Arg (NM_001270525.2); short protein forms M67R, M75R.
Identifiers: ClinVar variation 3365732 (VCV003365732.1).
Genomic context (GRCh38, chr14:56,804,237, plus strand): 5'-ATCTGCCCTACCTGCACCCTCGACTCGGGCAAGTTGATTTTCAGTGCCACCTCCTCTCGC[A>C]TGAAGATGTCTGGGTACCGGGTCTTGGCAAACAGTGCTTCCAGCACATCTAGCTGCGCCC-3'
Protein context (NP_068374.1, residues 65-85): FAKTRYPDIF[Met75Arg]REEVALKINL

ClinVar aggregate classification (germline): Uncertain significance (1 of 4 stars; one submission).

Submission:

GeneDx
Classification: Uncertain significance. Last evaluated: 2023-12-13. Review status: criteria provided, single submitter. Criteria: GeneDx Variant Classification Process June 2021. Collection method: clinical testing. Allele origin: germline. Affected: yes.
Comment: Not observed at significant frequency in large population cohorts (gnomAD); In silico analysis supports that this missense variant has a deleterious effect on protein structure/function; Has not been previously published as pathogenic or benign to our knowledge